The following is an entry in ClinVar:

ClinVar aggregate classification (germline): Uncertain significance. Review status: criteria provided, multiple submitters, no conflicts (2 of 4 stars). 2 submissions from 2 submitters: Uncertain significance (2). Last evaluated 2024-12-20.

Conditions:
PDZD7-related disorder. Also called: PDZD7-related condition; PDZD7-related disorders.

Allele frequency attached by ClinVar (database versions not stated): gnomAD exomes 0.00001 and 0.00004; gnomAD 0.00003; TOPMed 0.00004.
gnomAD v4.1: 56 of 1,535,764 alleles (0.0036%); highest among the groups gnomAD compares: Non-Finnish European, 0.0048%; no homozygotes.

Submissions (2):

PreventionGenetics, part of Exact Sciences
Classification: Uncertain significance for PDZD7-related condition. Last evaluated: 2024-12-20. Review status: criteria provided, single submitter. Criteria: ACMG Guidelines, 2015. Collection method: clinical testing. Allele origin: germline.
Comment: The PDZD7 c.2675A>C variant is predicted to result in the amino acid substitution p.Lys892Thr. To our knowledge, this variant has not been reported in the literature. This variant is reported in 0.0029% of alleles in individuals of European (Non-Finnish) descent in gnomAD. At this time, the clinical significance of this variant is uncertain due to the absence of conclusive functional and genetic evidence.

Labcorp Genetics (formerly Invitae), Labcorp
Classification: Uncertain significance. Last evaluated: 2021-08-31. Review status: criteria provided, single submitter. Criteria: Invitae Variant Classification Sherloc (09022015). Collection method: clinical testing. Allele origin: germline.
Comment: This sequence change replaces lysine with threonine at codon 892 of the PDZD7 protein (p.Lys892Thr). The lysine residue is weakly conserved and there is a moderate physicochemical difference between lysine and threonine. The frequency data for this variant in the population databases is considered unreliable, as metrics indicate insufficient coverage at this position in the ExAC database. This variant has not been reported in the literature in individuals affected with PDZD7-related conditions. Algorithms developed to predict the effect of missense changes on protein structure and function are either unavailable or do not agree on the potential impact of this missense change (SIFT: "Deleterious"; PolyPhen-2: "Not Available"; Align-GVGD: "Class C0"). In summary, the available evidence is currently insufficient to determine the role of this variant in disease. Therefore, it has been classified as a Variant of Uncertain Significance.

NM_001195263.2(PDZD7):c.2675A>C (p.Lys892Thr)

Gene: PDZD7 (PDZ domain containing 7; minus strand). Cytogenetic location: 10q24.31.
Variant type: single nucleotide variant.
Coding change: c.2675A>C on transcript NM_001195263.2 (MANE Select); coding-DNA position 2675, A replaced by C.
Protein change: p.Lys892Thr; replaces lysine 892 with threonine.
Molecular consequence: missense variant.
Genome position (GRCh38, 1-based): chr10:101,009,293, T>G on the plus strand (A>C on the coding strand, the complement: PDZD7 is on the minus strand). VCF-style: chr10-101009293-T-G. GRCh37 (hg19) VCF-style: chr10-102769050-T-G.
Other names: c.2675A>C (NM_001195263.1); short protein forms K892T.
Identifiers: ClinVar variation 1034792 (VCV001034792.7), dbSNP rs914064629, ClinGen allele CA212977704.